The following is an entry in ClinVar:

ClinVar aggregate classification (germline): Uncertain significance. Review status: criteria provided, multiple submitters, no conflicts (2 of 4 stars). 2 submissions from 2 submitters: Uncertain significance (2). Last evaluated 2023-08-24.

Conditions:
Dyskeratosis congenita, autosomal dominant 2. Identifiers: MedGen C3151443, MONDO:0013521, OMIM 613989.
Idiopathic Pulmonary Fibrosis. Also called: Idiopathic fibrosing alveolitis, chronic form; idiopathic fibrosing alveolitis. Identifiers: Orphanet 2032, MedGen C1800706, MeSH D054990, MONDO:0800504.
Dyskeratosis congenita. Identifiers: Orphanet 1775, MedGen C0265965, MONDO:0015780.

Submissions (2):

Labcorp Genetics (formerly Invitae), Labcorp
Classification: Uncertain significance for Dyskeratosis congenita, autosomal dominant 2; Idiopathic Pulmonary Fibrosis. Last evaluated: 2023-08-24. Review status: criteria provided, single submitter. Criteria: Invitae Variant Classification Sherloc (09022015). Collection method: clinical testing. Allele origin: germline.
Comment: In summary, the available evidence is currently insufficient to determine the role of this variant in disease. Therefore, it has been classified as a Variant of Uncertain Significance. Algorithms developed to predict the effect of missense changes on protein structure and function output the following: SIFT: "Not Available"; PolyPhen-2: "Benign"; Align-GVGD: "Not Available". The glutamic acid amino acid residue is found in multiple mammalian species, which suggests that this missense change does not adversely affect protein function. This variant has not been reported in the literature in individuals affected with TERT-related conditions. This variant is not present in population databases (gnomAD no frequency). This sequence change replaces alanine, which is neutral and non-polar, with glutamic acid, which is acidic and polar, at codon 93 of the TERT protein (p.Ala93Glu).

Ambry Genetics
Classification: Uncertain significance for Dyskeratosis congenita. Last evaluated: 2023-04-07. Review status: criteria provided, single submitter. Criteria: Ambry Variant Classification Scheme 2023. Collection method: clinical testing. Allele origin: germline.
Comment: The p.A93E variant (also known as c.278C>A), located in coding exon 2 of the TERT gene, results from a C to A substitution at nucleotide position 278. The alanine at codon 93 is replaced by glutamic acid, an amino acid with dissimilar properties. This amino acid position is conserved. In addition, this alteration is predicted to be tolerated by in silico analysis. Since supporting evidence is limited at this time, the clinical significance of this alteration remains unclear.

NM_198253.3(TERT):c.278C>A (p.Ala93Glu)

Gene: TERT (telomerase reverse transcriptase; minus strand). Cytogenetic location: 5p15.33.
Variant type: single nucleotide variant.
Coding change: c.278C>A on transcript NM_198253.3 (MANE Select); coding-DNA position 278, C replaced by A.
Protein change: p.Ala93Glu; replaces alanine 93 with glutamic acid.
Molecular consequence: missense variant. On other transcripts: non-coding transcript variant (2).
Genome position (GRCh38, 1-based): chr5:1,294,608, G>T on the plus strand (C>A on the coding strand, the complement: TERT is on the minus strand). VCF-style: chr5-1294608-G-T. GRCh37 (hg19) VCF-style: chr5-1294723-G-T.
Other names: c.278C>A, p.Ala93Glu (NM_001193376.3, NM_003219.1); short protein forms A93E.
Identifiers: ClinVar variation 2951247 (VCV002951247.4), dbSNP rs1751268584, ClinGen allele CA359058535.